The following is an entry in ClinVar:

NM_198239.2(CCN6):c.998C>T (p.Thr333Ile)

Gene: CCN6 (cellular communication network factor 6; plus strand). Cytogenetic location: 6q21.
Variant type: single nucleotide variant.
Coding change: c.998C>T on transcript NM_198239.2 (MANE Select); coding-DNA position 998, C replaced by T.
Protein change: p.Thr333Ile; replaces threonine 333 with isoleucine.
Molecular consequence: missense variant. On other transcripts: non-coding transcript variant (2).
Genome position (GRCh38, 1-based): chr6:112,069,553, C>T. VCF-style: chr6-112069553-C-T. GRCh37 (hg19) VCF-style: chr6-112390756-C-T.
Other names: c.998C>T, p.Thr333Ile (NM_003880.4); short protein forms T333I.
Identifiers: ClinVar variation 2413601 (VCV002413601.5), dbSNP rs781973615, ClinGen allele CA3964137.
Genomic context (GRCh38, chr6:112,069,553, plus strand): 5'-TTACTATTCAATTTGATTGCCCAAATGAGGGGTCATTTAAATGGAAGATGCTGTGGATTA[C>T]ATCTTGTGTGTGTCAGAGAAACTGCAGAGAACCTGGAGATATATTTTCTGAGCTCAAGAT-3'
Protein context (NP_937882.2, residues 323-343): GSFKWKMLWI[Thr333Ile]SCVCQRNCRE

ClinVar aggregate classification (germline): Uncertain significance (1 of 4 stars; one submission).

Allele frequency attached by ClinVar (database versions not stated): gnomAD exomes 0.00001; ExAC 0.00002.
gnomAD v4.1: 9 of 1,613,724 alleles (0.00056%); highest among the groups gnomAD compares: Admixed American, 0.012%; no homozygotes.

Submission:

Labcorp Genetics (formerly Invitae), Labcorp
Classification: Uncertain significance. Last evaluated: 2022-07-25. Review status: criteria provided, single submitter. Criteria: Invitae Variant Classification Sherloc (09022015). Collection method: clinical testing. Allele origin: germline.
Comment: In summary, the available evidence is currently insufficient to determine the role of this variant in disease. Therefore, it has been classified as a Variant of Uncertain Significance. Algorithms developed to predict the effect of missense changes on protein structure and function output the following: SIFT: "Tolerated"; PolyPhen-2: "Benign"; Align-GVGD: "Class C0". The isoleucine amino acid residue is found in multiple mammalian species, which suggests that this missense change does not adversely affect protein function. This variant has not been reported in the literature in individuals affected with WISP3-related conditions. This variant is present in population databases (rs781973615, gnomAD 0.02%). This sequence change replaces threonine, which is neutral and polar, with isoleucine, which is neutral and non-polar, at codon 333 of the WISP3 protein (p.Thr333Ile).